The following is an entry in ClinVar:

NM_000548.5(TSC2):c.1443+4C>G

Gene: TSC2 (TSC complex subunit 2; plus strand). Cytogenetic location: 16p13.3.
Variant type: single nucleotide variant.
Coding change: c.1443+4C>G on transcript NM_000548.5 (MANE Select); 4 bases into the intron after coding-DNA position 1443, C replaced by G.
Molecular consequence: intron variant.
Genome position (GRCh38, 1-based): chr16:2,063,057, C>G. VCF-style: chr16-2063057-C-G. GRCh37 (hg19) VCF-style: chr16-2113058-C-G.
Other names: c.1443+4C>G (NM_000548.3, NM_000548.4, NM_001114382.3 and 5 more transcripts); c.1332+4C>G (NM_001318827.2); c.843+4C>G (NM_001318831.2); c.1296+4C>G (NM_001318829.2); c.1476+4C>G (NM_001318832.2).
Identifiers: ClinVar variation 1021118 (VCV001021118.12), dbSNP rs45517172, ClinGen allele CA620373545.

ClinVar aggregate classification (germline): Conflicting classifications of pathogenicity. Review status: criteria provided, conflicting classifications (1 of 4 stars). 4 submissions from 4 submitters: Uncertain significance (1); Likely benign (2). 1 of the submissions does not count toward it. Last evaluated 2025-12-01.

Conditions:
TSC2-related disorder. Also called: TSC2-Related Disorders; TSC2-related condition.
Tuberous sclerosis 2 (TSC2). Identifiers: Orphanet 805, MedGen C1860707, MONDO:0013199, OMIM 613254.
Tuberous sclerosis syndrome (TSC). Also called: Tuberous Sclerosis Complex; Tuberous sclerosis. Identifiers: Orphanet 805, MedGen C0041341, MONDO:0001734.
Hereditary cancer-predisposing syndrome. Also called: Hereditary neoplastic syndrome; Neoplastic Syndromes, Hereditary; Tumor predisposition; Hereditary Cancer Syndrome. Identifiers: Orphanet 140162, MedGen C0027672, MeSH D009386, MONDO:0015356.

gnomAD v4.1: 12 of 1,551,400 alleles (0.00077%); highest among the groups gnomAD compares: Non-Finnish European, 0.00096%; no homozygotes.

Submissions (4):

Ambry Genetics
Classification: Likely benign for Hereditary cancer-predisposing syndrome. Last evaluated: 2025-12-01. Review status: criteria provided, single submitter. Criteria: Ambry Variant Classification Scheme 2023. Collection method: clinical testing. Allele origin: germline.

Labcorp Genetics (formerly Invitae), Labcorp
Classification: Likely benign for Tuberous sclerosis 2. Last evaluated: 2024-09-17. Review status: criteria provided, single submitter. Criteria: Invitae Variant Classification Sherloc (09022015). Collection method: clinical testing. Allele origin: germline.

All of Us Research Program, National Institutes of Health
Classification: Uncertain significance for Tuberous sclerosis syndrome. Last evaluated: 2023-11-20. Review status: criteria provided, single submitter. Criteria: ACMG Guidelines, 2015. Collection method: clinical testing. Allele origin: germline. Inheritance: Autosomal dominant inheritance. Observed: 3 variant alleles, 3 heterozygotes.
Comment: This variant causes a C to G nucleotide substitution at the +4 position of intron 14 of the TSC2 gene. Splice site prediction tools suggest that this variant may not impact RNA splicing. To our knowledge, functional studies have not been reported for this variant. This variant has not been reported in individuals affected with TSC2-related disorders in the literature. This variant has been identified in 1/156174 chromosomes in the general population by the Genome Aggregation Database (gnomAD). The available evidence is insufficient to determine the role of this variant in disease conclusively. Therefore, this variant is classified as a Variant of Uncertain Significance.

This study involves interpretation of variants in research participants for the purpose of population health screening. Participant phenotype was not available at the time of variant classification. Additional details can be found in publication PMID: 35346344, PMCID: PMC8962531

PreventionGenetics, part of Exact Sciences
Classification: Likely benign for TSC2-related condition. Last evaluated: 2023-09-27. Review status: no assertion criteria provided. Collection method: clinical testing. Allele origin: germline. Not counted in ClinVar's aggregate classification.
Comment: This variant is classified as likely benign based on ACMG/AMP sequence variant interpretation guidelines (Richards et al. 2015 PMID: 25741868, with internal and published modifications).